The following is an entry in ClinVar:

ClinVar aggregate classification (germline): Benign/Likely benign. Review status: criteria provided, multiple submitters, no conflicts (2 of 4 stars). 3 submissions from 3 submitters: Benign (1); Likely benign (2). Last evaluated 2026-01-22.

Conditions:
Inborn genetic diseases. Identifiers: MedGen C0950123, MeSH D030342.

Allele frequency attached by ClinVar (database versions not stated): gnomAD 0.00003 and 0.00016; ESP Exome Variant Server 0.00008; TOPMed 0.00015.
gnomAD v4.1: 225 of 1,610,930 alleles (0.014%); highest among the groups gnomAD compares: African/African-American, 0.004%; no homozygotes.

Submissions (3):

Labcorp Genetics (formerly Invitae), Labcorp
Classification: Benign. Last evaluated: 2026-01-22. Review status: criteria provided, single submitter. Criteria: Invitae Variant Classification Sherloc (09022015). Collection method: clinical testing. Allele origin: germline.

Ambry Genetics
Classification: Likely benign for Inborn genetic diseases. Last evaluated: 2023-10-13. Review status: criteria provided, single submitter. Criteria: Ambry Variant Classification Scheme 2023. Collection method: clinical testing. Allele origin: germline.

CeGaT Center for Human Genetics Tuebingen
Classification: Likely benign. Last evaluated: 2023-06-01. Review status: criteria provided, single submitter. Criteria: CeGaT Center For Human Genetics Tuebingen Variant Classification Criteria Version 2. Collection method: clinical testing. Allele origin: germline. Affected: yes. Observed: 1 variant allele.
Comment: DDX11: BP4

NM_030653.4(DDX11):c.2466C>G (p.Ala822=)

Gene: DDX11 (DEAD/H-box helicase 11; plus strand). Cytogenetic location: 12p11.21.
Variant type: single nucleotide variant.
Coding change: c.2466C>G on transcript NM_030653.4 (MANE Select); coding-DNA position 2466, C replaced by G.
Protein change: p.Ala822=; no amino-acid change (alanine 822 retained).
Molecular consequence: synonymous variant. On other transcripts: missense variant (2).
Genome position (GRCh38, 1-based): chr12:31,103,325, C>G. VCF-style: chr12-31103325-C-G. GRCh37 (hg19) VCF-style: chr12-31256259-C-G.
Other names: c.2461C>G, p.Pro821Ala (NM_001257144.2, NM_152438.2); c.2388C>G, p.Ala796= (NM_001257145.2); c.2316C>G, p.Ala772= (NM_004399.3); short protein forms P821A.
Identifiers: ClinVar variation 745617 (VCV000745617.32), dbSNP rs142205480, ClinGen allele CA6501846.
Genomic context (GRCh38, chr12:31,103,325, plus strand): 5'-GGGGAGCTGCAGGCAGGGAACAGTCCTGATGGGTCTTCCCCTTCACTCCCAGCCCAGAGC[C>G]CCCGGCCAGGCACCCCCAGGGAAGGCTCTGGTGGAGAACCTGTGCATGAAGGCCGTCAAC-3'
Protein context (NP_085911.2, residues 812-832): MAYLDQTLPR[Ala822=]PGQAPPGKAL